The following is an entry in ClinVar:

NM_014874.4(MFN2):c.24C>G (p.Cys8Trp)

Gene: MFN2 (mitofusin 2; plus strand). Cytogenetic location: 1p36.22.
Variant type: single nucleotide variant.
Coding change: c.24C>G on transcript NM_014874.4 (MANE Select); coding-DNA position 24, C replaced by G.
Protein change: p.Cys8Trp; replaces cysteine 8 with tryptophan.
Molecular consequence: missense variant.
Genome position (GRCh38, 1-based): chr1:11,989,192, C>G. VCF-style: chr1-11989192-C-G. GRCh37 (hg19) VCF-style: chr1-12049249-C-G.
Other names: c.24C>G, p.Cys8Trp (NM_001127660.2); short protein forms C8W.
Identifiers: ClinVar variation 2141147 (VCV002141147.5), dbSNP rs752363939, ClinGen allele CA598722.

ClinVar aggregate classification (germline): Uncertain significance. Review status: criteria provided, multiple submitters, no conflicts (2 of 4 stars). 2 submissions from 2 submitters: Uncertain significance (2). Last evaluated 2025-11-12.

Conditions:
Charcot-Marie-Tooth disease type 2. Also called: Charcot-Marie-Tooth type 2. Identifiers: Orphanet 64746, MedGen C0270914, MONDO:0018993.

Allele frequency attached by ClinVar (database versions not stated): ExAC 0.00006; gnomAD exomes 0.00001; TOPMed 0.00001.
gnomAD v4.1: 14 of 1,614,142 alleles (0.00087%); highest among the groups gnomAD compares: East Asian, 0.016%; no homozygotes.

Submissions (2):

Women's Health and Genetics/Laboratory Corporation of America, LabCorp
Classification: Uncertain significance. Last evaluated: 2025-11-12. Review status: criteria provided, single submitter. Criteria: LabCorp Variant Classification Summary - May 2015. Collection method: clinical testing. Allele origin: germline.
Comment: Variant summary: MFN2 c.24C>G (p.Cys8Trp) results in a non-conservative amino acid change in the encoded protein sequence. Algorithms developed to predict the effect of missense changes on protein structure and function all suggest that this variant is likely to be disruptive. The variant allele was found at a frequency of 4e-05 in 251472 control chromosomes. This frequency is not significantly higher than estimated for disease-causing variants in MFN2, allowing no conclusion about variant significance. To our knowledge, no occurrence of c.24C>G in individuals affected with MFN2-related conditions and no experimental evidence demonstrating its impact on protein function have been reported. ClinVar contains an entry for this variant (Variation ID: 2141147). Based on the evidence outlined above, the variant was classified as uncertain significance.

Labcorp Genetics (formerly Invitae), Labcorp
Classification: Uncertain significance for Charcot-Marie-Tooth disease type 2. Last evaluated: 2025-10-20. Review status: criteria provided, single submitter. Criteria: Invitae Variant Classification Sherloc (09022015). Collection method: clinical testing. Allele origin: germline.
Comment: This sequence change replaces cysteine, which is neutral and slightly polar, with tryptophan, which is neutral and slightly polar, at codon 8 of the MFN2 protein (p.Cys8Trp). This variant is present in population databases (rs752363939, gnomAD 0.06%). This variant has not been reported in the literature in individuals affected with MFN2-related conditions. ClinVar contains an entry for this variant (Variation ID: 2141147). Invitae Evidence Modeling of protein sequence and biophysical properties (such as structural, functional, and spatial information, amino acid conservation, physicochemical variation, residue mobility, and thermodynamic stability) indicates that this missense variant is not expected to disrupt MFN2 protein function with a negative predictive value of 80%. In summary, the available evidence is currently insufficient to determine the role of this variant in disease. Therefore, it has been classified as a Variant of Uncertain Significance.